The following is an entry in ClinVar:

ClinVar aggregate classification (germline): Uncertain significance (1 of 4 stars; one submission).

Conditions:
Neurodevelopmental disorder with hypotonia and dysmorphic facies. Identifiers: MedGen C5561974, MONDO:0859185, OMIM 619503.

Submission:

3billion
Classification: Uncertain significance for Neurodevelopmental disorder with hypotonia and dysmorphic facies. Last evaluated: 2024-09-28. Review status: criteria provided, single submitter. Criteria: ACMG Guidelines, 2015. Collection method: clinical testing. Allele origin: germline. Affected: yes.
Comment: The variant is not observed in the gnomAD v4.1.0 dataset. Predicted Consequence/Location: Missense variant. Missense changes are a common disease-causing mechanism. Damaging effect on gene or gene product predicted by in silico programs is uncertain [REVEL: 0.29 (damaging >=0.6, benign <0.4), 3Cnet: 0.25 (damaging >=0.6, benign <0.15)]. Therefore, this variant is classified as VUS according to the recommendation of ACMG/AMP guideline.

NM_005273.4(GNB2):c.728C>G (p.Thr243Ser)

Gene: GNB2 (G protein subunit beta 2; plus strand). Cytogenetic location: 7q22.1.
Variant type: single nucleotide variant.
Coding change: c.728C>G on transcript NM_005273.4 (MANE Select); coding-DNA position 728, C replaced by G.
Protein change: p.Thr243Ser; replaces threonine 243 with serine.
Molecular consequence: missense variant.
Genome position (GRCh38, 1-based): chr7:100,678,426, C>G. VCF-style: chr7-100678426-C-G. GRCh37 (hg19) VCF-style: chr7-100276049-C-G.
Other names: short protein forms T243S.
Identifiers: ClinVar variation 4294023 (VCV004294023.1).